The following is an entry in ClinVar:

ClinVar aggregate classification (germline): Likely benign (1 of 4 stars; one submission).

gnomAD v4.1: 44 of 1,613,860 alleles (0.0027%); highest among the groups gnomAD compares: African/African-American, 0.0053%; no homozygotes.

Submission:

CeGaT Center for Human Genetics Tuebingen
Classification: Likely benign. Last evaluated: 2026-04-01. Review status: criteria provided, single submitter. Criteria: CeGaT Center For Human Genetics Tuebingen Variant Classification Criteria Version 2. Collection method: clinical testing. Allele origin: germline. Affected: yes. Observed: 1 variant allele.
Comment: SPEN: BP4

NM_015001.3(SPEN):c.2603C>T (p.Ala868Val)

Gene: SPEN (spen family transcriptional repressor; plus strand). Cytogenetic location: 1p36.13.
Variant type: single nucleotide variant.
Coding change: c.2603C>T on transcript NM_015001.3 (MANE Select); coding-DNA position 2603, C replaced by T.
Protein change: p.Ala868Val; replaces alanine 868 with valine.
Molecular consequence: missense variant.
Genome position (GRCh38, 1-based): chr1:15,928,843, C>T. VCF-style: chr1-15928843-C-T. GRCh37 (hg19) VCF-style: chr1-16255338-C-T.
Other names: short protein forms A868V.
Identifiers: ClinVar variation 4872852 (VCV004872852.2).
Genomic context (GRCh38, chr1:15,928,843, plus strand): 5'-CTGAAAAGCCCAGGAGTTGTAATAAACTGAGCAGAGAGAAAGCTGACAAAGAGGGAATAG[C>T]GAAAAACCGCCTGGAACTCATGCCTTGCGTGGTTTTGACTCGAGTGAAAGAGAAAGAGGG-3'
Protein context (NP_055816.2, residues 858-878): SREKADKEGI[Ala868Val]KNRLELMPCV